The following is an entry in ClinVar:

NM_000264.5(PTCH1):c.2437C>G (p.Pro813Ala)

Genes: PTCH1 (patched 1; minus strand), LOC100507346 (uncharacterized LOC100507346; plus strand). Cytogenetic location: 9q22.32.
Variant type: single nucleotide variant.
Coding change: c.2437C>G on transcript NM_000264.5 (MANE Select); coding-DNA position 2437, C replaced by G.
Protein change: p.Pro813Ala; replaces proline 813 with alanine.
Molecular consequence: missense variant. On other transcripts: non-coding transcript variant (1).
Genome position (GRCh38, 1-based): chr9:95,467,239, G>C on the plus strand (C>G on the coding strand, the complement: PTCH1 is on the minus strand). VCF-style: chr9-95467239-G-C. GRCh37 (hg19) VCF-style: chr9-98229521-G-C.
Other names: p.Pro813Ala; c.2239C>G, p.Pro747Ala (NM_001083602.3); c.2434C>G, p.Pro812Ala (NM_001083603.3); c.1984C>G, p.Pro662Ala (NM_001083604.3, NM_001083605.3, NM_001083606.3 and 1 more transcripts); c.2281C>G, p.Pro761Ala (NM_001354918.2); c.2437C>G (NM_000264.4); short protein forms P747A, P813A, P812A, P761A, P662A.
Identifiers: ClinVar variation 379219 (VCV000379219.25), dbSNP rs45579032, ClinGen allele CA5138403.
Genomic context (GRCh38, chr9:95,467,239, plus strand): 5'-TGACATACTTCACGTTACTGAAACTCCTGTGTAGGTCGTAAAGTAAGTGCTGGATATTCG[G>C]GTAGTCTGCTTTCTGGGTGACTATATACATGTTGTAGAAAGAAAAGTATTTGAATTGTGC-3'
Protein context (NP_000255.2, residues 803-823): MYIVTQKADY[Pro813Ala]NIQHLLYDLH

ClinVar aggregate classification (germline): Conflicting classifications of pathogenicity. Review status: criteria provided, conflicting classifications (1 of 4 stars). 8 submissions from 8 submitters: Uncertain significance (5); Likely benign (3). Last evaluated 2026-02-14.

Conditions:
Basal cell nevus syndrome 1 (BCNS1). Also called: GORLIN-GOLTZ SYNDROME; MULTIPLE BASAL CELL NEVI, ODONTOGENIC KERATOCYSTS, AND SKELETAL ANOMALIES. Identifiers: MedGen CN376810, MONDO:0958174, OMIM 109400.
Hereditary cancer-predisposing syndrome. Also called: Neoplastic Syndromes, Hereditary; Tumor predisposition; Hereditary Cancer Syndrome; Hereditary neoplastic syndrome. Identifiers: Orphanet 140162, MedGen C0027672, MeSH D009386, MONDO:0015356.
Gorlin syndrome. Also called: Nevoid Basal Cell Carcinoma Syndrome; Basal cell nevus syndrome. Identifiers: Orphanet 377, MedGen C0004779, MONDO:0007187.
PTCH1-related disorder. Also called: PTCH1-related disorders; PTCH1-related condition.

Allele frequency attached by ClinVar (database versions not stated): gnomAD exomes 0.00002 and 0.00004; ExAC 0.00003; gnomAD 0.00005 and 0.00006; TOPMed 0.00006.
gnomAD v4.1: 67 of 1,612,306 alleles (0.0042%); highest among the groups gnomAD compares: Non-Finnish European, 0.0054%; no homozygotes.

Submissions (8):

PreventionGenetics, part of Exact Sciences
Classification: Uncertain significance for PTCH1-related condition. Last evaluated: 2026-02-14. Review status: criteria provided, single submitter. Criteria: ACMG Guidelines, 2015. Collection method: clinical testing. Allele origin: germline.
Comment: The PTCH1 c.2437C>G variant is predicted to result in the amino acid substitution p.Pro813Ala. This variant was reported in an individual undergoing genetic testing for pediatric cancer (Newman et al. 2021. PubMed ID: 34301788). This variant is reported in 0.0054% of alleles in individuals of European (Non-Finnish) descent in gnomAD and has conflicting interpretations in ClinVar ranging from likely benign to uncertain (Variation ID: 379219). Although we suspect that this variant may be benign, at this time, the clinical significance of this variant is uncertain due to the absence of conclusive functional and genetic evidence.

Labcorp Genetics (formerly Invitae), Labcorp
Classification: Likely benign for Gorlin syndrome. Last evaluated: 2026-01-14. Review status: criteria provided, single submitter. Criteria: Invitae Variant Classification Sherloc (09022015). Collection method: clinical testing. Allele origin: germline.

St. Jude Molecular Pathology, St. Jude Children's Research Hospital
Classification: Uncertain significance for Basal cell nevus syndrome 1. Last evaluated: 2025-06-17. Review status: criteria provided, single submitter. Criteria: St. Jude Assertion Criteria 2020. Collection method: clinical testing. Allele origin: germline.
Comment: The PTCH1 c.2437C>G p.(Pro813Ala) missense change has a maximum subpopulation frequency of 0.005% in gnomAD v2.1.1. The in silico tool REVEL is inconclusive about a pathogenic or benign effect of this variant on protein function, and to our knowledge functional studies have not been performed. To our knowledge, this variant has not been reported in individuals with nevoid basal cell carcino ma syndrome. In summary, the evidence currently available is insufficient to determine the clinical significance of this variant. It has therefore been classified as of uncertain significance.

Quest Diagnostics Nichols Institute San Juan Capistrano
Classification: Uncertain significance. Last evaluated: 2024-11-20. Review status: criteria provided, single submitter. Criteria: Quest Diagnostics criteria. Collection method: clinical testing. Allele origin: unknown.
Comment: The PTCH1 c.2437C>G (p.Pro813Ala) variant has been reported in the published literature in an individual with B-lymphoblastic leukemia/lymphoma with hypodiploidy (BLLHYPO) (PMID: 34301788 (2021)). The frequency of this variant in the general population, 0.000054 (7/129166 chromosomes in European (Non-Finnish) subpopulation (Genome Aggregation Database)), is higher than would generally be expected for pathogenic variants in this gene. Analysis of this variant using bioinformatics tools for the prediction of the effect of amino acid changes on protein structure and function yielded conflicting predictions that this variant is deleterious or benign. Based on the available information, we are unable to determine the clinical significance of this variant.

Mayo Clinic Laboratories, Mayo Clinic
Classification: Uncertain significance. Last evaluated: 2024-01-12. Review status: criteria provided, single submitter. Criteria: ACMG Guidelines, 2015. Collection method: clinical testing. Allele origin: germline. Observed: 4 variant alleles.

Institute for Clinical Genetics, University Hospital TU Dresden, University Hospital TU Dresden
Classification: Uncertain significance. Last evaluated: 2021-11-03. Review status: criteria provided, single submitter. Criteria: ACMG Guidelines, 2015. Collection method: clinical testing. Allele origin: germline.

Ambry Genetics
Classification: Likely benign for Hereditary cancer-predisposing syndrome. Last evaluated: 2018-07-12. Review status: criteria provided, single submitter. Criteria: Ambry Variant Classification Scheme 2023. Collection method: clinical testing. Allele origin: germline.

GeneDx
Classification: Likely benign. Last evaluated: 2015-12-22. Review status: criteria provided, single submitter. Criteria: GeneDx Variant Classification (06012015). Collection method: clinical testing. Allele origin: germline. Affected: yes.
Comment: This variant is considered likely benign or benign based on one or more of the following criteria: it is a conservative change, it occurs at a poorly conserved position in the protein, it is predicted to be benign by multiple in silico algorithms, and/or has population frequency not consistent with disease.

Literature cited by the submitters: PubMed 29461635 (cited by Quest Diagnostics Nichols Institute San Juan Capistrano); PubMed 34301788 (cited by Quest Diagnostics Nichols Institute San Juan Capistrano).